The following is an entry in ClinVar:

NM_004172.5(SLC1A3):c.*695G>C

Genes: SLC1A3-AS1 (SLC1A3 antisense RNA 1; minus strand), SLC1A3 (solute carrier family 1 member 3; plus strand). Cytogenetic location: 5p13.2.
Variant type: single nucleotide variant.
Coding change: c.*695G>C on transcript NM_004172.5 (MANE Select); 695 bases downstream of the stop codon, G replaced by C.
Molecular consequence: 3 prime UTR variant.
Genome position (GRCh38, 1-based): chr5:36,686,964, G>C. VCF-style: chr5-36686964-G-C. GRCh37 (hg19) VCF-style: chr5-36687066-G-C.
Other names: c.*695G>C (NM_001166695.3, NM_001289939.2, NM_001289940.2).
Identifiers: ClinVar variation 906451 (VCV000906451.4), dbSNP rs569386185, ClinGen allele CA117427448.

ClinVar aggregate classification (germline): Benign (1 of 4 stars; one submission).

Conditions:
Episodic ataxia type 6. Identifiers: Orphanet 209967, MedGen C2675211, MONDO:0012982, OMIM 612656.

Allele frequency attached by ClinVar (database versions not stated): gnomAD 0.00002 and 0.00017; TOPMed 0.00005; gnomAD exomes 0.00070; 1000 Genomes Project 0.00080; 1000 Genomes Project 30x 0.00094.
gnomAD v4.1: 27 of 155,254 alleles (0.017%); highest among the groups gnomAD compares: South Asian, 0.5%; no homozygotes.

Submission:

Illumina Laboratory Services, Illumina
Classification: Benign for Episodic ataxia type 6. Last evaluated: 2018-03-28. Review status: criteria provided, single submitter. Criteria: ICSL Variant Classification Criteria 13 December 2019. Collection method: clinical testing. Allele origin: germline.
Comment: This variant was observed in the ICSL laboratory as part of a predisposition screen in an ostensibly healthy population. It had not been previously curated by ICSL or reported in the Human Gene Mutation Database (HGMD: prior to June 1st, 2018), and was therefore a candidate for classification through an automated scoring system. Utilizing variant allele frequency, disease prevalence and penetrance estimates, and inheritance mode, an automated score was calculated to assess if this variant is too frequent to cause the disease. Based on the score and internal cut-off values, a variant classified as benign is not then subjected to further curation. The score for this variant resulted in a classification of benign for this disease.